The following is an entry in ClinVar:

ClinVar aggregate classification (germline): Uncertain significance (1 of 4 stars; one submission).

Conditions:
Familial hyperaldosteronism type II. Also called: FH II. Identifiers: Orphanet 404, MedGen C1854107, MONDO:0011576, OMIM 605635.

Submission:

MVZ Medizinische Genetik Mainz
Classification: Uncertain significance for Familial hyperaldosteronism type II. Last evaluated: 2023-05-03. Review status: criteria provided, single submitter. Criteria: UK Practice Guidelines For Variant Classification V4 01 2020. Collection method: clinical testing. Allele origin: germline. Inheritance: Autosomal dominant inheritance. Affected: yes. Observed: 1 variant allele.
Comment: ACMG Criteria: PP3_STR,PM2_SUP

NM_004366.6(CLCN2):c.482G>C (p.Gly161Ala)

Gene: CLCN2 (chloride voltage-gated channel 2; minus strand). Cytogenetic location: 3q27.1.
Variant type: single nucleotide variant.
Coding change: c.482G>C on transcript NM_004366.6 (MANE Select); coding-DNA position 482, G replaced by C.
Protein change: p.Gly161Ala; replaces glycine 161 with alanine.
Molecular consequence: missense variant.
Genome position (GRCh38, 1-based): chr3:184,358,095, C>G on the plus strand (G>C on the coding strand, the complement: CLCN2 is on the minus strand). VCF-style: chr3-184358095-C-G. GRCh37 (hg19) VCF-style: chr3-184075883-C-G.
Other names: c.482G>C, p.Gly161Ala (NM_001171087.3, NM_001171089.3); c.350G>C, p.Gly117Ala (NM_001171088.3); short protein forms G117A, G161A.
Identifiers: ClinVar variation 3236756 (VCV003236756.1), dbSNP rs2474258970.